The following is an entry in ClinVar:

NM_001159699.2(FHL1):c.604T>C (p.Phe202Leu)

Gene: FHL1 (four and a half LIM domains 1; plus strand). Cytogenetic location: Xq26.3.
Variant type: single nucleotide variant.
Coding change: c.604T>C on transcript NM_001159699.2 (MANE Select); coding-DNA position 604, T replaced by C.
Protein change: p.Phe202Leu; replaces phenylalanine 202 with leucine.
Molecular consequence: missense variant. On other transcripts: non-coding transcript variant (1), intron variant (2).
Genome position (GRCh38, 1-based): chrX:136,208,509, T>C. VCF-style: chrX-136208509-T-C. GRCh37 (hg19) VCF-style: chrX-135290668-T-C.
Other names: c.556T>C, p.Phe186Leu (NM_001159700.2, NM_001159702.3, NM_001159704.1 and 8 more transcripts); c.643T>C, p.Phe215Leu (NM_001159701.2); c.501+548T>C (NM_001159703.2); c.549+548T>C (NM_001330659.2); short protein forms F186L, F202L, F215L.
Identifiers: ClinVar variation 3340316 (VCV003340316.1).

ClinVar aggregate classification (germline): Uncertain significance (1 of 4 stars; one submission).

gnomAD v4.1: 2 of 1,211,542 alleles (0.00017%); highest among the groups gnomAD compares: South Asian, 0.0035%; no homozygotes.

Submission:

GeneDx
Classification: Uncertain significance. Last evaluated: 2023-07-14. Review status: criteria provided, single submitter. Criteria: GeneDx Variant Classification Process June 2021. Collection method: clinical testing. Allele origin: germline. Affected: yes.
Comment: Reported as a variant of uncertain significance in an individual with HCM (Walsh et. al, 2017); Not observed at significant frequency in large population cohorts (gnomAD); In silico analysis supports that this missense variant has a deleterious effect on protein structure/function; This variant is associated with the following publications: (PMID: 27532257)